The following is an entry in ClinVar:

ClinVar aggregate classification (germline): Pathogenic/Likely pathogenic. Review status: criteria provided, multiple submitters, no conflicts (2 of 4 stars). 2 submissions from 2 submitters: Pathogenic (1); Likely pathogenic (1). Last evaluated 2023-03-02.

Conditions:
Mitochondrial DNA depletion syndrome 13. Also called: FBXL4-Related Encephalomyopathic Mitochondrial DNA Depletion Syndrome; Mitochondrial DNA depletion syndrome 13 (encephalomyopathic type). Identifiers: Orphanet 369897, MedGen C3809592, MONDO:0014198, OMIM 615471.

Allele frequency attached by ClinVar (database versions not stated): gnomAD exomes below 0.00001; ExAC 0.00001; gnomAD 0.00001; TOPMed 0.00001; ESP Exome Variant Server 0.00008.

Submissions (2):

Labcorp Genetics (formerly Invitae), Labcorp
Classification: Likely pathogenic. Last evaluated: 2023-03-02. Review status: criteria provided, single submitter. Criteria: Invitae Variant Classification Sherloc (09022015). Collection method: clinical testing. Allele origin: germline.
Comment: Algorithms developed to predict the effect of sequence changes on RNA splicing suggest that this variant may disrupt the consensus splice site. This sequence change affects an acceptor splice site in intron 4 of the FBXL4 gene. It is expected to disrupt RNA splicing. Variants that disrupt the donor or acceptor splice site typically lead to a loss of protein function (PMID: 16199547), and loss-of-function variants in FBXL4 are known to be pathogenic (PMID: 23993193, 23993194, 25868664). This variant is present in population databases (rs368965675, gnomAD 0.007%). This variant has not been reported in the literature in individuals affected with FBXL4-related conditions. ClinVar contains an entry for this variant (Variation ID: 437644). In summary, the currently available evidence indicates that the variant is pathogenic, but additional data are needed to prove that conclusively. Therefore, this variant has been classified as Likely Pathogenic.

Wong Mito Lab, Molecular and Human Genetics, Baylor College of Medicine
Classification: Pathogenic for Mitochondrial DNA depletion syndrome 13. Last evaluated: 2017-08-10. Review status: criteria provided, single submitter. Criteria: ACMG Guidelines, 2015. Collection method: reference population. Allele origin: germline.
Comment: The NM_012160.4:c.859-1G>T (NP_036292.2:p.=) [GRCH38: NC_000006.12:g.98905671C>A] variant in FBXL4 gene is interpretated to be a Pathogenic based on ACMG guidelines (PMID: 25741868). This variant meets one or more of the following evidence codes reported in the ACMG-guideline. PVS1:This variant is a predcted null variant in FBXL4 where loss of function is a known mechanism of disease. PM2:This variant is absent in key population databases. PP3:Computational evidence/predictors indicate the variant has deleterious effect on FBXL4 structure, function, or protein-protein interaction. Based on this evidence code ClinGen Pathogenicity Calculator (PMID:28081714) suggested that the variant is Pathogenic.

Literature cited by the submitters: PubMed 16199547 (cited by Labcorp Genetics (formerly Invitae), Labcorp); PubMed 23993193 (cited by Labcorp Genetics (formerly Invitae), Labcorp); PubMed 23993194 (cited by Labcorp Genetics (formerly Invitae), Labcorp); PubMed 25868664 (cited by Labcorp Genetics (formerly Invitae), Labcorp).

NM_001278716.2(FBXL4):c.859-1G>T

Gene: FBXL4 (F-box and leucine rich repeat protein 4; minus strand). Cytogenetic location: 6q16.2.
Variant type: single nucleotide variant.
Coding change: c.859-1G>T on transcript NM_001278716.2 (MANE Select); the canonical splice acceptor site of the intron before coding-DNA position 859, G replaced by T.
Molecular consequence: splice acceptor variant.
Genome position (GRCh38, 1-based): chr6:98,905,671, C>A on the plus strand (G>T on the coding strand, the complement: FBXL4 is on the minus strand). VCF-style: chr6-98905671-C-A. GRCh37 (hg19) VCF-style: chr6-99353547-C-A.
Other names: c.859-1G>T (NM_012160.5).
Identifiers: ClinVar variation 437644 (VCV000437644.6), dbSNP rs368965675, ClinGen allele CA3933594.